The following is an entry in ClinVar:

NM_005245.4(FAT1):c.6818T>C (p.Val2273Ala)

Gene: FAT1 (FAT atypical cadherin 1; minus strand). Cytogenetic location: 4q35.2.
Variant type: single nucleotide variant.
Coding change: c.6818T>C on transcript NM_005245.4 (MANE Select); coding-DNA position 6818, T replaced by C.
Protein change: p.Val2273Ala; replaces valine 2273 with alanine.
Molecular consequence: missense variant.
Genome position (GRCh38, 1-based): chr4:186,619,768, A>G on the plus strand (T>C on the coding strand, the complement: FAT1 is on the minus strand). VCF-style: chr4-186619768-A-G. GRCh37 (hg19) VCF-style: chr4-187540922-A-G.
Other names: short protein forms V2273A.
Identifiers: ClinVar variation 3639566 (VCV003639566.2).

ClinVar aggregate classification (germline): Uncertain significance (1 of 4 stars; one submission).

Submission:

Labcorp Genetics (formerly Invitae), Labcorp
Classification: Uncertain significance. Last evaluated: 2024-02-14. Review status: criteria provided, single submitter. Criteria: Invitae Variant Classification Sherloc (09022015). Collection method: clinical testing. Allele origin: germline.
Comment: This sequence change replaces valine, which is neutral and non-polar, with alanine, which is neutral and non-polar, at codon 2273 of the FAT1 protein (p.Val2273Ala). This variant is not present in population databases (gnomAD no frequency). This variant has not been reported in the literature in individuals affected with FAT1-related conditions. Advanced modeling of protein sequence and biophysical properties (such as structural, functional, and spatial information, amino acid conservation, physicochemical variation, residue mobility, and thermodynamic stability) performed at Invitae indicates that this missense variant is expected to disrupt FAT1 protein function with a positive predictive value of 80%. In summary, the available evidence is currently insufficient to determine the role of this variant in disease. Therefore, it has been classified as a Variant of Uncertain Significance.